The following is an entry in ClinVar:

NM_001369369.1(FOXN1):c.1289C>T (p.Pro430Leu)

Gene: FOXN1 (forkhead box N1; plus strand). Cytogenetic location: 17q11.2.
Variant type: single nucleotide variant.
Coding change: c.1289C>T on transcript NM_001369369.1 (MANE Select); coding-DNA position 1289, C replaced by T.
Protein change: p.Pro430Leu; replaces proline 430 with leucine.
Molecular consequence: missense variant.
Genome position (GRCh38, 1-based): chr17:28,534,860, C>T. VCF-style: chr17-28534860-C-T. GRCh37 (hg19) VCF-style: chr17-26861878-C-T.
Other names: c.1289C>T, p.Pro430Leu (NM_003593.3); short protein forms P430L.
Identifiers: ClinVar variation 468550 (VCV000468550.6), dbSNP rs149982141, ClinGen allele CA8459495.

ClinVar aggregate classification (germline): Uncertain significance. Review status: criteria provided, multiple submitters, no conflicts (2 of 4 stars). 2 submissions from 2 submitters: Uncertain significance (2). Last evaluated 2025-07-31.

Conditions:
T-cell immunodeficiency, congenital alopecia, and nail dystrophy. Also called: Congenital alopecia and nail dystrophy associated with severe functional T-cell immunodeficiency; Pignata Guarino syndrome. Identifiers: Orphanet 169095, MedGen C1866426, MONDO:0011132, OMIM 601705.
Inborn genetic diseases. Identifiers: MedGen C0950123, MeSH D030342.

Allele frequency attached by ClinVar (database versions not stated): ExAC 0.00001; gnomAD exomes 0.00001; gnomAD 0.00004; TOPMed 0.00007; ESP Exome Variant Server 0.00015.

Submissions (2):

Ambry Genetics
Classification: Uncertain significance for Inborn genetic diseases. Last evaluated: 2025-07-31. Review status: criteria provided, single submitter. Criteria: Ambry Variant Classification Scheme 2023. Collection method: clinical testing. Allele origin: germline.

Labcorp Genetics (formerly Invitae), Labcorp
Classification: Uncertain significance for T-cell immunodeficiency, congenital alopecia, and nail dystrophy. Last evaluated: 2025-02-17. Review status: criteria provided, single submitter. Criteria: Invitae Variant Classification Sherloc (09022015). Collection method: clinical testing. Allele origin: germline.
Comment: This sequence change replaces proline, which is neutral and non-polar, with leucine, which is neutral and non-polar, at codon 430 of the FOXN1 protein (p.Pro430Leu). This variant is present in population databases (rs149982141, gnomAD 0.007%). This variant has not been reported in the literature in individuals affected with FOXN1-related conditions. ClinVar contains an entry for this variant (Variation ID: 468550). Invitae Evidence Modeling of protein sequence and biophysical properties (such as structural, functional, and spatial information, amino acid conservation, physicochemical variation, residue mobility, and thermodynamic stability) indicates that this missense variant is not expected to disrupt FOXN1 protein function with a negative predictive value of 80%. In summary, the available evidence is currently insufficient to determine the role of this variant in disease. Therefore, it has been classified as a Variant of Uncertain Significance.